The following is an entry in ClinVar:

NM_003052.5(SLC34A1):c.279G>C (p.Lys93Asn)

Gene: SLC34A1 (solute carrier family 34 member 1; plus strand). Cytogenetic location: 5q35.3.
Variant type: single nucleotide variant.
Coding change: c.279G>C on transcript NM_003052.5 (MANE Select); coding-DNA position 279, G replaced by C.
Protein change: p.Lys93Asn; replaces lysine 93 with asparagine.
Molecular consequence: missense variant.
Genome position (GRCh38, 1-based): chr5:177,386,240, G>C. VCF-style: chr5-177386240-G-C. GRCh37 (hg19) VCF-style: chr5-176813241-G-C.
Other names: c.279G>C, p.Lys93Asn (NM_001167579.2); short protein forms K93N.
Identifiers: ClinVar variation 3164289 (VCV003164289.4), dbSNP rs1166594357, ClinGen allele CA362363018.

ClinVar aggregate classification (germline): Uncertain significance. Review status: criteria provided, multiple submitters, no conflicts (2 of 4 stars). 3 submissions from 3 submitters: Uncertain significance (3). Last evaluated 2025-02-25.

Conditions:
Hypercalcemia, infantile, 2 (HCINF2). Identifiers: Orphanet 300547, MedGen C4310473, MONDO:0014851, OMIM 616963.
Hypophosphatemic nephrolithiasis/osteoporosis 1. Identifiers: Orphanet 244305, MedGen C2676786, MONDO:0012850, OMIM 612286.
Fanconi renotubular syndrome 2 (FRTS2). Identifiers: MedGen C3150652, MONDO:0013247, OMIM 613388.
SLC34A1-related disorder. Also called: SLC34A1-related condition; SLC34A1-related disorders.
Inborn genetic diseases. Identifiers: MedGen C0950123, MeSH D030342.

Allele frequency attached by ClinVar (database versions not stated): gnomAD exomes 0.00001; gnomAD 0.00013; TOPMed 0.00026.

Submissions (3):

PreventionGenetics, part of Exact Sciences
Classification: Uncertain significance for SLC34A1-related condition. Last evaluated: 2025-02-25. Review status: criteria provided, single submitter. Criteria: ACMG Guidelines, 2015. Collection method: clinical testing. Allele origin: germline.
Comment: The SLC34A1 c.279G>C variant is predicted to result in the amino acid substitution p.Lys93Asn. To our knowledge, this variant has not been reported in the literature. This variant is reported in 0.028% of alleles in individuals of Latino descent in gnomAD. At this time, the clinical significance of this variant is uncertain due to the absence of conclusive functional and genetic evidence.

Fulgent Genetics
Classification: Uncertain significance for Hypophosphatemic nephrolithiasis/osteoporosis 1; Fanconi renotubular syndrome 2; Hypercalcemia, infantile, 2. Last evaluated: 2024-06-11. Review status: criteria provided, single submitter. Criteria: ACMG Guidelines, 2015. Collection method: clinical testing. Allele origin: germline.

Ambry Genetics
Classification: Uncertain significance for Inborn genetic diseases. Last evaluated: 2024-01-23. Review status: criteria provided, single submitter. Criteria: Ambry Variant Classification Scheme 2023. Collection method: clinical testing. Allele origin: germline.